The following is an entry in ClinVar:

NM_032444.4(SLX4):c.4382C>T (p.Ala1461Val)

Gene: SLX4 (SLX4 structure-specific endonuclease subunit; minus strand). Cytogenetic location: 16p13.3.
Variant type: single nucleotide variant.
Coding change: c.4382C>T on transcript NM_032444.4 (MANE Select); coding-DNA position 4382, C replaced by T.
Protein change: p.Ala1461Val; replaces alanine 1461 with valine.
Molecular consequence: missense variant.
Genome position (GRCh38, 1-based): chr16:3,589,256, G>A on the plus strand (C>T on the coding strand, the complement: SLX4 is on the minus strand). VCF-style: chr16-3589256-G-A. GRCh37 (hg19) VCF-style: chr16-3639257-G-A.
Other names: short protein forms A1461V.
Identifiers: ClinVar variation 2770325 (VCV002770325.3), dbSNP rs1186678343, ClinGen allele CA394517247.

ClinVar aggregate classification (germline): Uncertain significance (1 of 4 stars; one submission).

Conditions:
Fanconi anemia (FA). Also called: Fanconi's anemia. Identifiers: Orphanet 84, MedGen C0015625, MeSH D005199, MONDO:0019391.

Allele frequency attached by ClinVar (database versions not stated): TOPMed 0.00001.
gnomAD v4.1: 2 of 1,604,744 alleles (0.00012%); highest among the groups gnomAD compares: Admixed American, 0.0034%; no homozygotes.

Submission:

Labcorp Genetics (formerly Invitae), Labcorp
Classification: Uncertain significance for Fanconi anemia. Last evaluated: 2023-12-16. Review status: criteria provided, single submitter. Criteria: Invitae Variant Classification Sherloc (09022015). Collection method: clinical testing. Allele origin: germline.
Comment: This sequence change replaces alanine, which is neutral and non-polar, with valine, which is neutral and non-polar, at codon 1461 of the SLX4 protein (p.Ala1461Val). This variant is present in population databases (no rsID available, gnomAD 0.006%). This variant has not been reported in the literature in individuals affected with SLX4-related conditions. Algorithms developed to predict the effect of missense changes on protein structure and function output the following: SIFT: "Not Available"; PolyPhen-2: "Benign"; Align-GVGD: "Not Available". The valine amino acid residue is found in multiple mammalian species, which suggests that this missense change does not adversely affect protein function. In summary, the available evidence is currently insufficient to determine the role of this variant in disease. Therefore, it has been classified as a Variant of Uncertain Significance.